The following is an entry in ClinVar:

ClinVar aggregate classification (germline): Pathogenic (1 of 4 stars; one submission).

Submission:

Labcorp Genetics (formerly Invitae), Labcorp
Classification: Pathogenic. Last evaluated: 2025-06-03. Review status: criteria provided, single submitter. Criteria: Invitae Variant Classification Sherloc (09022015). Collection method: clinical testing. Allele origin: germline.
Comment: This sequence change creates a premature translational stop signal (p.Leu21Serfs*40) in the DCHS1 gene. It is expected to result in an absent or disrupted protein product. Loss-of-function variants in DCHS1 are known to be pathogenic (PMID: 24056717, 26258302). This variant is not present in population databases (gnomAD no frequency). This variant has not been reported in the literature in individuals affected with DCHS1-related conditions. For these reasons, this variant has been classified as Pathogenic.

Literature cited by the submitters: PubMed 24056717; PubMed 26258302.

NM_003737.4(DCHS1):c.61del (p.Leu21fs)

Gene: DCHS1 (dachsous cadherin-related 1; minus strand). Cytogenetic location: 11p15.4.
Variant type: Deletion.
Coding change: c.61del on transcript NM_003737.4 (MANE Select); coding-DNA position 61, one base deleted (C; older notation c.61delC).
Protein change: p.Leu21fs; shifts the reading frame from leucine 21.
Molecular consequence: frameshift variant.
Genome position (GRCh38, 1-based): chr11:6,641,553, G deleted on the plus strand (C on the coding strand, the reverse complement: DCHS1 is on the minus strand); the first of 2 consecutive G bases (chr11:6,641,553-6,641,554); deleting either gives the same sequence. VCF-style (leftmost placement, unchanged base first): chr11-6641552-AG-A. GRCh37 (hg19) VCF-style: chr11-6662783-AG-A.
Other names: short protein forms L21fs.
Identifiers: ClinVar variation 4720375 (VCV004720375.1).
Genomic context (GRCh38, chr11:6,641,552, plus strand): 5'-CAGGCACCTGGCACCCCAGCCCCCAGCAGCAGCAGCAGCAGCAGCAGCAATGGTAGCAGG[AG>A]GTGGGGCCTGGGGCTCTTCATGCCAGGGCAGGAAGGCACAATGCCCAGCTCCTTCTGCAT-3'